The following is an entry in ClinVar:

ClinVar aggregate classification (germline): Likely benign (1 of 4 stars; one submission).

Allele frequency attached by ClinVar (database versions not stated): ESP Exome Variant Server 0.00027; gnomAD 0.00030; TOPMed 0.00031; ExAC 0.00067.
gnomAD v4.1: 618 of 1,548,822 alleles (0.04%); highest among the groups gnomAD compares: Non-Finnish European, 0.047%; no homozygotes.

Submission:

CeGaT Center for Human Genetics Tuebingen
Classification: Likely benign. Last evaluated: 2022-03-01. Review status: criteria provided, single submitter. Criteria: CeGaT Center For Human Genetics Tuebingen Variant Classification Criteria Version 2. Collection method: clinical testing. Allele origin: germline. Affected: yes. Observed: 1 variant allele.
Comment: RUNDC1: BP4, BP7

NM_173079.5(RUNDC1):c.141G>A (p.Ala47=)

Genes: RUNDC1 (RUN domain containing 1; plus strand), LOC130060932 (ATAC-STARR-seq lymphoblastoid silent region 8549; plus strand). Cytogenetic location: 17q21.31.
Variant type: single nucleotide variant.
Coding change: c.141G>A on transcript NM_173079.5 (MANE Select); coding-DNA position 141, G replaced by A.
Protein change: p.Ala47=; no amino-acid change (alanine 47 retained).
Molecular consequence: synonymous variant.
Genome position (GRCh38, 1-based): chr17:42,980,717, G>A. VCF-style: chr17-42980717-G-A. GRCh37 (hg19) VCF-style: chr17-41132734-G-A.
Other names: c.141G>A, p.Ala47= (NM_001321381.3, NM_001394222.1).
Identifiers: ClinVar variation 2647809 (VCV002647809.24), dbSNP rs372831938, ClinGen allele CA8588550.